The following is an entry in ClinVar:

NM_020778.5(ALPK3):c.2417A>G (p.His806Arg)

Gene: ALPK3 (alpha kinase 3; plus strand). Cytogenetic location: 15q25.3.
Variant type: single nucleotide variant.
Coding change: c.2417A>G on transcript NM_020778.5 (MANE Select); coding-DNA position 2417, A replaced by G.
Protein change: p.His806Arg; replaces histidine 806 with arginine.
Molecular consequence: missense variant.
Genome position (GRCh38, 1-based): chr15:84,857,155, A>G. VCF-style: chr15-84857155-A-G. GRCh37 (hg19) VCF-style: chr15-85400386-A-G.
Other names: short protein forms H806R.
Identifiers: ClinVar variation 2781949 (VCV002781949.3), dbSNP rs1963873779, ClinGen allele CA393357072.

ClinVar aggregate classification (germline): Uncertain significance (1 of 4 stars; one submission).

Allele frequency attached by ClinVar (database versions not stated): gnomAD exomes below 0.00001.
gnomAD v4.1: 2 of 1,614,064 alleles (0.00012%); highest among the groups gnomAD compares: Non-Finnish European, 0.00017%; no homozygotes.

Submission:

Labcorp Genetics (formerly Invitae), Labcorp
Classification: Uncertain significance. Last evaluated: 2023-08-09. Review status: criteria provided, single submitter. Criteria: Invitae Variant Classification Sherloc (09022015). Collection method: clinical testing. Allele origin: germline.
Comment: This sequence change replaces histidine, which is basic and polar, with arginine, which is basic and polar, at codon 1008 of the ALPK3 protein (p.His1008Arg). This variant is not present in population databases (gnomAD no frequency). This variant has not been reported in the literature in individuals affected with ALPK3-related conditions. Algorithms developed to predict the effect of missense changes on protein structure and function output the following: SIFT: "Not Available"; PolyPhen-2: "Benign"; Align-GVGD: "Not Available". The arginine amino acid residue is found in multiple mammalian species, which suggests that this missense change does not adversely affect protein function. In summary, the available evidence is currently insufficient to determine the role of this variant in disease. Therefore, it has been classified as a Variant of Uncertain Significance.